The following is an entry in ClinVar:

ClinVar aggregate classification (germline): Uncertain significance (1 of 4 stars; one submission).

Submission:

GeneDx
Classification: Uncertain significance. Last evaluated: 2022-06-01. Review status: criteria provided, single submitter. Criteria: GeneDx Variant Classification Process June 2021. Collection method: clinical testing. Allele origin: germline. Affected: yes.
Comment: Not observed at significant frequency in large population cohorts (gnomAD); In silico analysis supports that this missense variant has a deleterious effect on protein structure/function; Has not been previously published as pathogenic or benign to our knowledge

NM_001375380.1(EBF3):c.320G>T (p.Gly107Val)

Gene: EBF3 (EBF transcription factor 3; minus strand). Cytogenetic location: 10q26.3.
Variant type: single nucleotide variant.
Coding change: c.320G>T on transcript NM_001375380.1 (MANE Select); coding-DNA position 320, G replaced by T.
Protein change: p.Gly107Val; replaces glycine 107 with valine.
Molecular consequence: missense variant.
Genome position (GRCh38, 1-based): chr10:129,962,977, C>A on the plus strand (G>T on the coding strand, the complement: EBF3 is on the minus strand). VCF-style: chr10-129962977-C-A. GRCh37 (hg19) VCF-style: chr10-131761241-C-A.
Other names: c.320G>T, p.Gly107Val (NM_001005463.3, NM_001375379.1, NM_001375389.1 and 3 more transcripts); short protein forms G107V.
Identifiers: ClinVar variation 1801865 (VCV001801865.1), dbSNP rs2493674962, ClinGen allele CA378911002.